The following is an entry in ClinVar:

NM_001127208.3(TET2):c.1846C>T (p.Pro616Ser)

Genes: TET2 (tet methylcytosine dioxygenase 2; plus strand), TET2-AS1 (TET2 antisense RNA 1; minus strand). Cytogenetic location: 4q24.
Variant type: single nucleotide variant.
Coding change: c.1846C>T on transcript NM_001127208.3 (MANE Select); coding-DNA position 1846, C replaced by T.
Protein change: p.Pro616Ser; replaces proline 616 with serine.
Molecular consequence: missense variant.
Genome position (GRCh38, 1-based): chr4:105,235,788, C>T. VCF-style: chr4-105235788-C-T. GRCh37 (hg19) VCF-style: chr4-106156945-C-T.
Other names: c.1846C>T, p.Pro616Ser (NM_017628.4); short protein forms P616S.
Identifiers: ClinVar variation 3967689 (VCV003967689.1).

ClinVar aggregate classification (germline): Uncertain significance (1 of 4 stars; one submission).

Submission:

Ambry Genetics
Classification: Uncertain significance. Last evaluated: 2025-06-02. Review status: criteria provided, single submitter. Criteria: Ambry Variant Classification Scheme 2023. Collection method: clinical testing. Allele origin: germline.
Comment: The p.P616S variant (also known as c.1846C>T), located in coding exon 1 of the TET2 gene, results from a C to T substitution at nucleotide position 1846. The proline at codon 616 is replaced by serine, an amino acid with similar properties. This amino acid position is conserved. In addition, this alteration is predicted to be tolerated by in silico analysis. Based on the available evidence, the clinical significance of this variant remains unclear.